The following is an entry in ClinVar:

NM_001080517.3(SETD5):c.1030G>A (p.Gly344Ser)

Gene: SETD5 (SET domain containing 5; plus strand). Cytogenetic location: 3p25.3.
Variant type: single nucleotide variant.
Coding change: c.1030G>A on transcript NM_001080517.3 (MANE Select); coding-DNA position 1030, G replaced by A.
Protein change: p.Gly344Ser; replaces glycine 344 with serine.
Molecular consequence: missense variant.
Genome position (GRCh38, 1-based): chr3:9,442,198, G>A. VCF-style: chr3-9442198-G-A. GRCh37 (hg19) VCF-style: chr3-9483882-G-A.
Other names: c.1030G>A (NM_001080517.1); c.736G>A, p.Gly246Ser (NM_001292043.2, NM_001349451.2); short protein forms G246S, G344S.
Identifiers: ClinVar variation 975774 (VCV000975774.7), dbSNP rs2041376679, ClinGen allele CA351689492.

ClinVar aggregate classification (germline): Conflicting classifications of pathogenicity. Review status: criteria provided, conflicting classifications (1 of 4 stars). 5 submissions from 5 submitters: Likely pathogenic (2); Uncertain significance (2). 1 of the submissions does not count toward it. Last evaluated 2026-01-20.

Conditions:
Intellectual disability-facial dysmorphism syndrome due to SETD5 haploinsufficiency (MRD23). Also called: Intellectual developmental disorder, autosomal dominant 23. Identifiers: Orphanet 404440, MedGen C3810406, MONDO:0014336, OMIM 615761.
Inborn genetic diseases. Identifiers: MedGen C0950123, MeSH D030342.

Submissions (5):

Ambry Genetics
Classification: Likely pathogenic for Inborn genetic diseases. Last evaluated: 2026-01-20. Review status: criteria provided, single submitter. Criteria: Ambry Variant Classification Scheme 2023. Collection method: clinical testing. Allele origin: germline.
Comment: The c.1030G>A (p.G344S) alteration is located in exon 10 (coding exon 8) of the SETD5 gene. This alteration results from a G to A substitution at nucleotide position 1030, causing the glycine (G) at amino acid position 344 to be replaced by a serine (S). This variant was not reported in population-based cohorts in the Genome Aggregation Database (gnomAD). This amino acid position is highly conserved in available vertebrate species. This missense alteration is located in a region that has a low rate of benign missense variation (Lek, 2016; Firth, 2009). This alteration is predicted to be deleterious by in silico analysis. Based on the available evidence, this alteration is classified as likely pathogenic.

GeneDx
Classification: Uncertain significance. Last evaluated: 2025-05-30. Review status: criteria provided, single submitter. Criteria: GeneDx Variant Classification Process June 2021. Collection method: clinical testing. Allele origin: germline.
Comment: Not observed at significant frequency in large population cohorts (gnomAD); In silico analysis supports that this missense variant has a deleterious effect on protein structure/function; This variant is associated with the following publications: (PMID: 28191889, 33004838)

Blueprint Genetics
Classification: Uncertain significance. Last evaluated: 2022-11-24. Review status: criteria provided, single submitter. Criteria: ACMG Guidelines, 2015. Collection method: clinical testing. Allele origin: germline.

Institute for Medical Genetics and Human Genetics, Charité - Universitätsmedizin Berlin
Classification: Likely pathogenic for Intellectual disability-facial dysmorphism syndrome due to SETD5 haploinsufficiency. Review status: criteria provided, single submitter. Criteria: ACMG Guidelines, 2015. Collection method: not provided. Allele origin: germline. Inheritance: Autosomal dominant inheritance. Affected: yes.

Centre de Biologie Pathologie Génétique, Centre Hospitalier Universitaire de Lille
Classification: Likely pathogenic for Mental retardation, autosomal dominant 23. Last evaluated: 2019-01-01. Review status: no assertion criteria provided. Collection method: clinical testing. Allele origin: unknown. Affected: yes. Not counted in ClinVar's aggregate classification.